The following is an entry in ClinVar:

ClinVar aggregate classification (germline): Likely benign (1 of 4 stars; one submission).

gnomAD v4.1: 10 of 1,264,642 alleles (0.00079%); highest among the groups gnomAD compares: South Asian, 0.014%; no homozygotes.

Submission:

CeGaT Center for Human Genetics Tuebingen
Classification: Likely benign. Last evaluated: 2025-10-01. Review status: criteria provided, single submitter. Criteria: CeGaT Center For Human Genetics Tuebingen Variant Classification Criteria Version 2. Collection method: clinical testing. Allele origin: germline. Affected: yes. Observed: 1 variant allele.
Comment: ZSWIM6: BP4, BP7

NM_020928.2(ZSWIM6):c.345C>T (p.Pro115=)

Gene: ZSWIM6 (zinc finger SWIM-type containing 6; plus strand). Cytogenetic location: 5q12.1.
Variant type: single nucleotide variant.
Coding change: c.345C>T on transcript NM_020928.2 (MANE Select); coding-DNA position 345, C replaced by T.
Protein change: p.Pro115=; no amino-acid change (proline 115 retained).
Molecular consequence: synonymous variant.
Genome position (GRCh38, 1-based): chr5:61,332,617, C>T. VCF-style: chr5-61332617-C-T. GRCh37 (hg19) VCF-style: chr5-60628444-C-T.
Identifiers: ClinVar variation 4534394 (VCV004534394.6).
Genomic context (GRCh38, chr5:61,332,617, plus strand): 5'-GGAGCGCTTTGAGCGCATCCCGGAGCCGGTGCAGCGCCGCATAGTCTATTGGTCCTTCCC[C>T]CGCAGCGAGCGGGAGATCTGCATGTACTCGTCCTTCAACACCGGCGGCGGCGCCGCGGGC-3'
Protein context (NP_065979.1, residues 105-125): VQRRIVYWSF[Pro115=]RSEREICMYS